The following is an entry in ClinVar:

ClinVar aggregate classification (germline): Uncertain significance (1 of 4 stars; one submission).

Conditions:
C1Q deficiency 2. Identifiers: MedGen C5830422, MONDO:0958187, OMIM 620321.

Submission:

Laboratorio de Genetica e Diagnostico Molecular, Hospital Israelita Albert Einstein
Classification: Uncertain significance for C1Q deficiency 2. Last evaluated: 2022-04-29. Review status: criteria provided, single submitter. Criteria: ACMG Guidelines, 2015. Collection method: clinical testing. Allele origin: germline. Affected: yes.
Comment: ACMG classification criteria: PM2 moderated

NM_001378156.1(C1QB):c.623G>A (p.Gly208Asp)

Gene: C1QB (complement C1q B chain; plus strand). Cytogenetic location: 1p36.12.
Variant type: single nucleotide variant.
Coding change: c.623G>A on transcript NM_001378156.1 (MANE Select); coding-DNA position 623, G replaced by A.
Protein change: p.Gly208Asp; replaces glycine 208 with aspartic acid.
Molecular consequence: missense variant.
Genome position (GRCh38, 1-based): chr1:22,661,253, G>A. VCF-style: chr1-22661253-G-A. GRCh37 (hg19) VCF-style: chr1-22987746-G-A.
Other names: c.629G>A, p.Gly210Asp (NM_000491.5); c.623G>A, p.Gly208Asp (NM_001371184.3); short protein forms G208D, G210D.
Identifiers: ClinVar variation 2431801 (VCV002431801.2), dbSNP rs2522289070, ClinGen allele CA338949371.